The following is an entry in ClinVar:

ClinVar aggregate classification (germline): Likely benign (0 of 4 stars; one submission).

Conditions:
PEX6-related disorder. Also called: PEX6-related disorders; PEX6-related condition.

Submission:

PreventionGenetics, part of Exact Sciences
Classification: Likely benign for PEX6-related condition. Last evaluated: 2021-06-16. Review status: no assertion criteria provided. Collection method: clinical testing. Allele origin: germline.
Comment: This variant is classified as likely benign based on ACMG/AMP sequence variant interpretation guidelines (Richards et al. 2015 PMID: 25741868, with internal and published modifications).

NM_000287.4(PEX6):c.882+9A>G

Gene: PEX6 (peroxisomal biogenesis factor 6; minus strand). Cytogenetic location: 6p21.1.
Variant type: single nucleotide variant.
Coding change: c.882+9A>G on transcript NM_000287.4 (MANE Select); 9 bases into the intron after coding-DNA position 882, A replaced by G.
Molecular consequence: intron variant.
Genome position (GRCh38, 1-based): chr6:42,978,260, T>C on the plus strand (A>G on the coding strand, the complement: PEX6 is on the minus strand). VCF-style: chr6-42978260-T-C. GRCh37 (hg19) VCF-style: chr6-42945998-T-C.
Other names: c.618+273A>G (NM_001316313.2).
Identifiers: ClinVar variation 3061612 (VCV003061612.2), dbSNP rs2481274824, ClinGen allele CA2740091338.